The following is an entry in ClinVar:

NM_005502.4(ABCA1):c.680G>A (p.Arg227Gln)

Gene: ABCA1 (ATP binding cassette subfamily A member 1; minus strand). Cytogenetic location: 9q31.1.
Variant type: single nucleotide variant.
Coding change: c.680G>A on transcript NM_005502.4 (MANE Select); coding-DNA position 680, G replaced by A.
Protein change: p.Arg227Gln; replaces arginine 227 with glutamine.
Molecular consequence: missense variant.
Genome position (GRCh38, 1-based): chr9:104,858,562, C>T on the plus strand (G>A on the coding strand, the complement: ABCA1 is on the minus strand). VCF-style: chr9-104858562-C-T. GRCh37 (hg19) VCF-style: chr9-107620843-C-T.
Other names: short protein forms R227Q.
Identifiers: ClinVar variation 1472388 (VCV001472388.4), dbSNP rs555803243, ClinGen allele CA197363323.

ClinVar aggregate classification (germline): Uncertain significance (1 of 4 stars; one submission).

Allele frequency attached by ClinVar (database versions not stated): TOPMed below 0.00001; gnomAD 0.00001 and 0.00002; gnomAD exomes 0.00001.
gnomAD v4.1: 26 of 1,614,138 alleles (0.0016%); highest among the groups gnomAD compares: African/African-American, 0.013%; no homozygotes.

Submission:

Labcorp Genetics (formerly Invitae), Labcorp
Classification: Uncertain significance. Last evaluated: 2023-05-23. Review status: criteria provided, single submitter. Criteria: Invitae Variant Classification Sherloc (09022015). Collection method: clinical testing. Allele origin: germline.
Comment: In summary, the available evidence is currently insufficient to determine the role of this variant in disease. Therefore, it has been classified as a Variant of Uncertain Significance. Advanced modeling of protein sequence and biophysical properties (such as structural, functional, and spatial information, amino acid conservation, physicochemical variation, residue mobility, and thermodynamic stability) performed at Invitae indicates that this missense variant is not expected to disrupt ABCA1 protein function. ClinVar contains an entry for this variant (Variation ID: 1472388). This variant has not been reported in the literature in individuals affected with ABCA1-related conditions. This variant is not present in population databases (gnomAD no frequency). This sequence change replaces arginine, which is basic and polar, with glutamine, which is neutral and polar, at codon 227 of the ABCA1 protein (p.Arg227Gln).